The following is an entry in ClinVar:

ClinVar aggregate classification (germline): Uncertain significance (1 of 4 stars; one submission).

Submission:

Greenwood Genetic Center Diagnostic Laboratories, Greenwood Genetic Center
Classification: Uncertain significance. Last evaluated: 2024-04-30. Review status: criteria provided, single submitter. Criteria: ACMG Guidelines, 2015. Collection method: clinical testing. Allele origin: germline. Affected: yes.
Comment: PM1_Supporting, PM2, PP2

NM_000516.7(GNAS):c.322G>C (p.Ala108Pro)

Gene: GNAS (GNAS complex locus; plus strand). Cytogenetic location: 20q13.32.
Variant type: single nucleotide variant.
Coding change: c.322G>C on transcript NM_000516.7 (MANE Select); coding-DNA position 322, G replaced by C.
Protein change: p.Ala108Pro; replaces alanine 108 with proline.
Molecular consequence: missense variant. On other transcripts: 3 prime UTR variant (2).
Genome position (GRCh38, 1-based): chr20:58,903,681, G>C. VCF-style: chr20-58903681-G-C. GRCh37 (hg19) VCF-style: chr20-57478736-G-C.
Other names: c.325G>C, p.Ala109Pro (NM_001077488.5); c.277G>C, p.Ala93Pro (NM_001077489.4); c.*183G>C (NM_001077490.3); c.145G>C, p.Ala49Pro (NM_001309840.2, NM_001309861.2); c.226G>C, p.Ala76Pro (NM_001410912.1); c.2206G>C, p.Ala736Pro (NM_001410913.1); c.*228G>C (NM_016592.5); c.2251G>C, p.Ala751Pro (NM_080425.4); and 1 more; short protein forms A108P, A109P, A49P, A736P, A751P, A76P, A93P, A94P.
Identifiers: ClinVar variation 3338610 (VCV003338610.1).
Genomic context (GRCh38, chr20:58,903,681, plus strand): 5'-CGCCCTCCCAGCCAGTGCTGTTCCCTGACCGCTTTGCTAAATCATTTTCAGACCATTGTG[G>C]CCGCCATGAGCAACCTGGTGCCCCCCGTGGAGCTGGCCAACCCCGAGAACCAGTTCAGAG-3'
Protein context (NP_000507.1, residues 98-118): NLKEAIETIV[Ala108Pro]AMSNLVPPVE